The following is an entry in ClinVar:

ClinVar aggregate classification (germline): Uncertain significance (1 of 4 stars; one submission).

Conditions:
Melanoma, cutaneous malignant, susceptibility to, 8. Also called: MELANOMA AND RENAL CELL CARCINOMA, SUSCEPTIBILITY TO; Cutaneous malignant melanoma 8. Identifiers: Orphanet 293822, MedGen C3152204, MONDO:0013759, OMIM 614456.
Tietz syndrome (TADS). Also called: ALBINISM-DEAFNESS OF TIETZ; HYPOPIGMENTATION/DEAFNESS OF TIETZ; TIETZ ALBINISM-DEAFNESS SYNDROME. Identifiers: Orphanet 42665, MedGen C0391816, MONDO:0007077, OMIM 103500.
Waardenburg syndrome type 2A (WS2A). Also called: WAARDENBURG SYNDROME WITHOUT DYSTOPIA CANTHORUM. Identifiers: Orphanet 3440, MedGen C1860339, MONDO:0008671, OMIM 193510.

Submission:

Labcorp Genetics (formerly Invitae), Labcorp
Classification: Uncertain significance for Melanoma, cutaneous malignant, susceptibility to, 8; Waardenburg syndrome type 2A; Tietz syndrome. Last evaluated: 2023-09-14. Review status: criteria provided, single submitter. Criteria: Invitae Variant Classification Sherloc (09022015). Collection method: clinical testing. Allele origin: germline.
Comment: In summary, the available evidence is currently insufficient to determine the role of this variant in disease. Therefore, it has been classified as a Variant of Uncertain Significance. This sequence change falls in intron 7 of the MITF gene. It does not directly change the encoded amino acid sequence of the MITF protein. It affects a nucleotide within the consensus splice site. Variants that disrupt the consensus splice site are a relatively common cause of aberrant splicing (PMID: 17576681, 9536098). Algorithms developed to predict the effect of sequence changes on RNA splicing suggest that this variant may disrupt the consensus splice site. This variant has not been reported in the literature in individuals affected with MITF-related conditions. This variant is not present in population databases (gnomAD no frequency).

Literature cited by the submitters: PubMed 17576681; PubMed 9536098.

NM_001354604.2(MITF):c.1031+5G>A

Gene: MITF (melanocyte inducing transcription factor; plus strand). Cytogenetic location: 3p13.
Variant type: single nucleotide variant.
Coding change: c.1031+5G>A on transcript NM_001354604.2 (MANE Select); 5 bases into the intron after coding-DNA position 1031, G replaced by A.
Molecular consequence: intron variant.
Genome position (GRCh38, 1-based): chr3:69,956,535, G>A. VCF-style: chr3-69956535-G-A. GRCh37 (hg19) VCF-style: chr3-70005686-G-A.
Other names: c.962+5G>A (NM_001354607.2); c.857+5G>A (NM_001354608.2, NM_001184967.2); c.1013+5G>A (NM_198159.3); c.1028+5G>A (NM_001354605.2); c.1010+5G>A (NM_001354606.2, NM_006722.3); c.965+5G>A (NM_198177.3); c.710+5G>A (NM_000248.4); c.692+5G>A (NM_198158.3); and 1 more.
Identifiers: ClinVar variation 2951924 (VCV002951924.3), dbSNP rs2107530181, ClinGen allele CA2703193285.